The following is an entry in ClinVar:

ClinVar aggregate classification (germline): Uncertain significance (1 of 4 stars; one submission).

Allele frequency attached by ClinVar (database versions not stated): TOPMed 0.00001; gnomAD 0.00002; gnomAD exomes 0.00002; ExAC 0.00003.
gnomAD v4.1: 33 of 1,604,238 alleles (0.0021%); highest among the groups gnomAD compares: Non-Finnish European, 0.0026%; 1 homozygote.

Submission:

Women's Health and Genetics/Laboratory Corporation of America, LabCorp
Classification: Uncertain significance. Last evaluated: 2026-03-06. Review status: criteria provided, single submitter. Criteria: LabCorp Variant Classification Summary - May 2015. Collection method: clinical testing. Allele origin: germline.
Comment: Variant summary: TRPM7 c.4396A>G (p.Asn1466Asp) results in a conservative amino acid change in the encoded protein sequence. Algorithms developed to predict the effect of missense changes on protein structure and function all suggest that this variant is likely to be tolerated. The variant allele was found at a frequency of 2e-05 in 247434 control chromosomes. The available data on variant occurrences in the general population are insufficient to allow any conclusion about variant significance. To our knowledge, no occurrence of c.4396A>G in individuals affected with TRPM7-related conditions and no experimental evidence demonstrating its impact on protein function have been reported. ClinVar contains an entry for this variant (Variation ID: 2429262). Based on the evidence outlined above, the variant was classified as uncertain significance.

NM_017672.6(TRPM7):c.4396A>G (p.Asn1466Asp)

Gene: TRPM7 (transient receptor potential cation channel subfamily M member 7; minus strand). Cytogenetic location: 15q21.2.
Variant type: single nucleotide variant.
Coding change: c.4396A>G on transcript NM_017672.6 (MANE Select); coding-DNA position 4396, A replaced by G.
Protein change: p.Asn1466Asp; replaces asparagine 1466 with aspartic acid.
Molecular consequence: missense variant. On other transcripts: non-coding transcript variant (3).
Genome position (GRCh38, 1-based): chr15:50,586,482, T>C on the plus strand (A>G on the coding strand, the complement: TRPM7 is on the minus strand). VCF-style: chr15-50586482-T-C. GRCh37 (hg19) VCF-style: chr15-50878679-T-C.
Other names: c.4396A>G, p.Asn1466Asp (NM_001301212.2); short protein forms N1466D.
Identifiers: ClinVar variation 2429262 (VCV002429262.3), dbSNP rs752098120, ClinGen allele CA7556945.
Genomic context (GRCh38, chr15:50,586,482, plus strand): 5'-TGTGACAGTCAGTAAATCCAGCAAGAGAACTCACTCGTTTCAAAGTGTTTTCAGAAGTAT[T>C]GTTATTCTGCAAATATTGTGCAGACATATAATTTGAAAATAATTGAACTAAATTTCAACC-3'
Protein context (NP_060142.3, residues 1456-1476): SNKIKILSNN[Asn1466Asp]TSENTLKRVS